The following is an entry in ClinVar:

ClinVar aggregate classification (germline): Uncertain significance (1 of 4 stars; one submission).

Submission:

Ambry Genetics
Classification: Uncertain significance. Last evaluated: 2025-09-04. Review status: criteria provided, single submitter. Criteria: Ambry Variant Classification Scheme 2023. Collection method: clinical testing. Allele origin: germline.
Comment: The p.H419Q variant (also known as c.1257T>A), located in coding exon 6 of the GFI1 gene, results from a T to A substitution at nucleotide position 1257. The histidine at codon 419 is replaced by glutamine, an amino acid with highly similar properties. This amino acid position is conserved. In addition, this alteration is predicted to be tolerated by in silico analysis. Based on the available evidence, the clinical significance of this variant remains unclear.

NM_005263.5(GFI1):c.1257T>A (p.His419Gln)

Gene: GFI1 (growth factor independent 1 transcriptional repressor; minus strand). Cytogenetic location: 1p22.1.
Variant type: single nucleotide variant.
Coding change: c.1257T>A on transcript NM_005263.5 (MANE Select); coding-DNA position 1257, T replaced by A.
Protein change: p.His419Gln; replaces histidine 419 with glutamine.
Molecular consequence: missense variant.
Genome position (GRCh38, 1-based): chr1:92,476,041, A>T on the plus strand (T>A on the coding strand, the complement: GFI1 is on the minus strand). VCF-style: chr1-92476041-A-T. GRCh37 (hg19) VCF-style: chr1-92941598-A-T.
Other names: c.1257T>A, p.His419Gln (NM_001127215.3, NM_001127216.3); short protein forms H419Q.
Identifiers: ClinVar variation 4263249 (VCV004263249.1).
Genomic context (GRCh38, chr1:92,476,041, plus strand): 5'-TGCCCTCTGTAGTGTTGTGTAGCTGCTGCTTGCAGCCAGCCAGGGTGCTCATTTGAGCCC[A>T]TGCTGCGTCTCCCGGTGCCTTCGGAGGTCCACCTTCCTCTGGAAACCCTTCCCACAGAGG-3'
Protein context (NP_005254.2, residues 409-422): VDLRRHRETQ[His419Gln]GLK